The following is an entry in ClinVar:

NM_000138.5(FBN1):c.5740T>G (p.Cys1914Gly)

Gene: FBN1 (fibrillin 1; minus strand). Cytogenetic location: 15q21.1.
Variant type: single nucleotide variant.
Coding change: c.5740T>G on transcript NM_000138.5 (MANE Select); coding-DNA position 5740, T replaced by G.
Protein change: p.Cys1914Gly; replaces cysteine 1914 with glycine.
Molecular consequence: missense variant.
Genome position (GRCh38, 1-based): chr15:48,446,754, A>C on the plus strand (T>G on the coding strand, the complement: FBN1 is on the minus strand). VCF-style: chr15-48446754-A-C. GRCh37 (hg19) VCF-style: chr15-48738951-A-C.
Other names: short protein forms C1914G.
Identifiers: ClinVar variation 1513835 (VCV001513835.6), dbSNP rs2141250333, ClinGen allele CA392341204.

ClinVar aggregate classification (germline): Likely pathogenic (1 of 4 stars; one submission).

Conditions:
Marfan syndrome (MFS). Also called: MARFAN SYNDROME, TYPE I; Marfan syndrome type 1; Marfan's syndrome; Marfan syndrome, classic; FBN1-Related Marfan Syndrome. Identifiers: Orphanet 284963, Orphanet 558, MedGen C0024796, MONDO:0007947, OMIM 154700.
Familial thoracic aortic aneurysm and aortic dissection (TAAD). Also called: Thoracic aortic aneurysms and dissections. Identifiers: Orphanet 91387, MedGen C4707243, MONDO:0019625.

Submission:

Labcorp Genetics (formerly Invitae), Labcorp
Classification: Likely pathogenic for Marfan syndrome; Familial thoracic aortic aneurysm and aortic dissection. Last evaluated: 2021-09-29. Review status: criteria provided, single submitter. Criteria: Invitae Variant Classification Sherloc (09022015). Collection method: clinical testing. Allele origin: germline.
Comment: In summary, the currently available evidence indicates that the variant is pathogenic, but additional data are needed to prove that conclusively. Therefore, this variant has been classified as Likely Pathogenic. This variant affects a cysteine residue in the EGF-like, TGFBP or hybrid motif domains of FBN1. Cysteine residues are believed to be involved in intramolecular disulfide bridges and have been shown to be important for FBN1 protein structure (PMID: 16905551, 19349279). In addition, missense substitutions affecting cysteine residues within these domains are significantly overrepresented among patients with Marfan syndrome (PMID: 16571647, 17701892). This missense change has been observed in individual(s) with Marfan syndrome (Invitae). This variant is not present in population databases (ExAC no frequency). Advanced modeling of protein sequence and biophysical properties (such as structural, functional, and spatial information, amino acid conservation, physicochemical variation, residue mobility, and thermodynamic stability) performed at Invitae indicates that this missense variant is expected to disrupt FBN1 protein function. This sequence change replaces cysteine with glycine at codon 1914 of the FBN1 protein (p.Cys1914Gly). The cysteine residue is highly conserved and there is a large physicochemical difference between cysteine and glycine.

Literature cited by the submitters: PubMed 16905551; PubMed 19349279; PubMed 16571647; PubMed 17701892.